The following is an entry in ClinVar:

ClinVar aggregate classification (germline): Uncertain significance. Review status: criteria provided, multiple submitters, no conflicts (2 of 4 stars). 2 submissions from 2 submitters: Uncertain significance (2). Last evaluated 2022-05-11.

Allele frequency attached by ClinVar (database versions not stated): TOPMed 0.00001.

Submissions (2):

Blueprint Genetics
Classification: Uncertain significance. Last evaluated: 2022-05-11. Review status: criteria provided, single submitter. Criteria: ACMG Guidelines, 2015. Collection method: clinical testing. Allele origin: germline.

Mayo Clinic Laboratories, Mayo Clinic
Classification: Uncertain significance. Last evaluated: 2022-03-30. Review status: criteria provided, single submitter. Criteria: ACMG Guidelines, 2015. Collection method: clinical testing. Allele origin: germline. Observed: 1 variant allele.
Comment: PP3, PM2

NM_000291.4(PGK1):c.1028T>C (p.Phe343Ser)

Gene: PGK1 (phosphoglycerate kinase 1; plus strand). Cytogenetic location: Xq21.1.
Variant type: single nucleotide variant.
Coding change: c.1028T>C on transcript NM_000291.4 (MANE Select); coding-DNA position 1028, T replaced by C.
Protein change: p.Phe343Ser; replaces phenylalanine 343 with serine.
Molecular consequence: missense variant.
Genome position (GRCh38, 1-based): chrX:78,124,965, T>C. VCF-style: chrX-78124965-T-C. GRCh37 (hg19) VCF-style: chrX-77380462-T-C.
Other names: p.Phe343Ser; short protein forms F343S.
Identifiers: ClinVar variation 2683594 (VCV002683594.2), dbSNP rs2078374986, ClinGen allele CA413717716.